The following is an entry in ClinVar:

ClinVar aggregate classification (germline): Likely benign (0 of 4 stars; one submission).

Conditions:
KMT2D-related disorder. Also called: KMT2D-Related Disorders.

Submission:

PreventionGenetics, part of Exact Sciences
Classification: Likely benign for KMT2D-related condition. Last evaluated: 2021-04-21. Review status: no assertion criteria provided. Collection method: clinical testing. Allele origin: germline.
Comment: This variant is classified as likely benign based on ACMG/AMP sequence variant interpretation guidelines (Richards et al. 2015 PMID: 25741868, with internal and published modifications).

NM_003482.4(KMT2D):c.6858G>A (p.Glu2286=)

Gene: KMT2D (lysine methyltransferase 2D; minus strand). Cytogenetic location: 12q13.12.
Variant type: single nucleotide variant.
Coding change: c.6858G>A on transcript NM_003482.4 (MANE Select); coding-DNA position 6858, G replaced by A.
Protein change: p.Glu2286=; no amino-acid change (glutamic acid 2286 retained).
Molecular consequence: synonymous variant.
Genome position (GRCh38, 1-based): chr12:49,040,912, C>T on the plus strand (G>A on the coding strand, the complement: KMT2D is on the minus strand). VCF-style: chr12-49040912-C-T. GRCh37 (hg19) VCF-style: chr12-49434695-C-T.
Identifiers: ClinVar variation 3031046 (VCV003031046.2), dbSNP rs1198374406, ClinGen allele CA479711820.
Genomic context (GRCh38, chr12:49,040,912, plus strand): 5'-AAAGCCCAGGTTTGGGGGCCCATAGCTAGGAGAGGATGCCCCAAGCTCTTCCTTCTTCAC[C>T]TCTAGGGCCTTCCGGGACTCCCCAAAAGGTGGGGGCGAGAGCAGGGGCTCGGAAGCTTTG-3'
Protein context (NP_003473.3, residues 2276-2296): PPFGESRKAL[Glu2286=]VKKEELGASS